The following is an entry in ClinVar:

ClinVar aggregate classification (germline): Uncertain significance (1 of 4 stars; one submission).

Conditions:
Methylcobalamin deficiency type cblE (HMAE). Also called: VITAMIN B12-RESPONSIVE HOMOCYSTINURIA, cblE TYPE; HOMOCYSTINURIA-MEGALOBLASTIC ANEMIA, cblE COMPLEMENTATION TYPE; HOMOCYSTINURIA-MEGALOBLASTIC ANEMIA, cblE TYPE. Identifiers: Orphanet 2169, Orphanet 622, MedGen C1856057, MONDO:0009354, OMIM 236270.

Submission:

Labcorp Genetics (formerly Invitae), Labcorp
Classification: Uncertain significance for Methylcobalamin deficiency type cblE. Last evaluated: 2022-08-15. Review status: criteria provided, single submitter. Criteria: Invitae Variant Classification Sherloc (09022015). Collection method: clinical testing. Allele origin: germline.
Comment: This variant is not present in population databases (gnomAD no frequency). This variant has not been reported in the literature in individuals affected with MTRR-related conditions. ClinVar contains an entry for this variant (Variation ID: 1008396). Algorithms developed to predict the effect of missense changes on protein structure and function are either unavailable or do not agree on the potential impact of this missense change (SIFT: "Deleterious"; PolyPhen-2: "Probably Damaging"; Align-GVGD: "Class C0"). In summary, the available evidence is currently insufficient to determine the role of this variant in disease. Therefore, it has been classified as a Variant of Uncertain Significance. This sequence change replaces serine, which is neutral and polar, with cysteine, which is neutral and slightly polar, at codon 477 of the MTRR protein (p.Ser477Cys).

NM_002454.3(MTRR):c.1430C>G (p.Ser477Cys)

Gene: MTRR (5-methyltetrahydrofolate-homocysteine methyltransferase reductase; plus strand). Cytogenetic location: 5p15.31.
Variant type: single nucleotide variant.
Coding change: c.1430C>G on transcript NM_002454.3 (MANE Select); coding-DNA position 1430, C replaced by G.
Protein change: p.Ser477Cys; replaces serine 477 with cysteine.
Molecular consequence: missense variant. On other transcripts: non-coding transcript variant (14).
Genome position (GRCh38, 1-based): chr5:7,892,786, C>G. VCF-style: chr5-7892786-C-G. GRCh37 (hg19) VCF-style: chr5-7892899-C-G.
Other names: c.1430C>G, p.Ser477Cys (NM_001364440.2, NM_001364441.2, NM_001364442.2 and 1 more transcripts); short protein forms S477C.
Identifiers: ClinVar variation 1008396 (VCV001008396.9), dbSNP rs1737830740, ClinGen allele CA359158913.